The following is an entry in ClinVar:

ClinVar aggregate classification (germline): Likely benign. Review status: criteria provided, multiple submitters, no conflicts (2 of 4 stars). 2 submissions from 2 submitters: Likely benign (2). Last evaluated 2017-04-27.

Conditions:
Congenital generalized lipodystrophy type 4. Also called: BERARDINELLI-SEIP CONGENITAL LIPODYSTROPHY, TYPE 4, WITH MUSCULAR DYSTROPHY. Identifiers: Orphanet 228429, MedGen C2750069, MONDO:0013225, OMIM 613327.

Allele frequency attached by ClinVar (database versions not stated): gnomAD 0.06451 and 0.06846; TOPMed 0.06494; gnomAD exomes 0.07207; 1000 Genomes Project 30x 0.08229; 1000 Genomes Project 0.08626.
gnomAD v4.1: 10,531 of 152,418 alleles (6.9%); highest among the groups gnomAD compares: South Asian, 16%; 506 homozygotes.

Submissions (2):

Illumina Laboratory Services, Illumina
Classification: Likely benign for Congenital generalized lipodystrophy type 4. Last evaluated: 2017-04-27. Review status: criteria provided, single submitter. Criteria: ICSL Variant Classification Criteria 13 December 2019. Collection method: clinical testing. Allele origin: germline.
Comment: This variant was observed as part of a predisposition screen in an ostensibly healthy population. A literature search was performed for the gene, cDNA change, and amino acid change (where applicable). No publications were found based on this search. Allele frequency data from public databases allowed determination this variant is unlikely to cause disease. Therefore, this variant is classified as likely benign.

Breakthrough Genomics
Classification: Likely benign. Review status: criteria provided, single submitter. Criteria: ACMG Guidelines, 2015. Collection method: not provided. Allele origin: germline. Inheritance: Autosomal recessive inheritance. Affected: yes.

NM_012232.6(CAVIN1):c.*1856C>T

Gene: CAVIN1 (caveolae associated protein 1; minus strand). Cytogenetic location: 17q21.2.
Variant type: single nucleotide variant.
Coding change: c.*1856C>T on transcript NM_012232.6 (MANE Select); 1856 bases downstream of the stop codon, C replaced by T.
Molecular consequence: 3 prime UTR variant.
Genome position (GRCh38, 1-based): chr17:42,402,831, G>A on the plus strand (C>T on the coding strand, the complement: CAVIN1 is on the minus strand). VCF-style: chr17-42402831-G-A. GRCh37 (hg19) VCF-style: chr17-40554849-G-A.
Identifiers: ClinVar variation 323256 (VCV000323256.6), dbSNP rs9252, ClinGen allele CA10639671.